The following is an entry in ClinVar:

NM_014334.4(FRRS1L):c.112G>A (p.Gly38Arg)

Gene: FRRS1L (ferric chelate reductase 1 like; minus strand). Cytogenetic location: 9q31.3.
Variant type: single nucleotide variant.
Coding change: c.112G>A on transcript NM_014334.4 (MANE Select); coding-DNA position 112, G replaced by A.
Protein change: p.Gly38Arg; replaces glycine 38 with arginine.
Molecular consequence: missense variant.
Genome position (GRCh38, 1-based): chr9:109,167,027, C>T on the plus strand (G>A on the coding strand, the complement: FRRS1L is on the minus strand). VCF-style: chr9-109167027-C-T. GRCh37 (hg19) VCF-style: chr9-111929307-C-T.
Other names: c.265G>A (NM_014334.2); short protein forms G38R.
Identifiers: ClinVar variation 1461828 (VCV001461828.7), dbSNP rs1831562999, ClinGen allele CA374430476.

ClinVar aggregate classification (germline): Uncertain significance. Review status: criteria provided, multiple submitters, no conflicts (2 of 4 stars). 2 submissions from 2 submitters: Uncertain significance (2). Last evaluated 2022-07-11.

Conditions:
Inborn genetic diseases. Identifiers: MedGen C0950123, MeSH D030342.
Developmental and epileptic encephalopathy, 37 (DEE37). Also called: Epileptic encephalopathy, early infantile, 37. Identifiers: MedGen C4310770, MONDO:0014859, OMIM 616981.

Allele frequency attached by ClinVar (database versions not stated): TOPMed below 0.00001.

Submissions (2):

Labcorp Genetics (formerly Invitae), Labcorp
Classification: Uncertain significance for Developmental and epileptic encephalopathy, 37. Last evaluated: 2022-07-11. Review status: criteria provided, single submitter. Criteria: Invitae Variant Classification Sherloc (09022015). Collection method: clinical testing. Allele origin: germline.
Comment: This variant has not been reported in the literature in individuals affected with FRRS1L-related conditions. In summary, the available evidence is currently insufficient to determine the role of this variant in disease. Therefore, it has been classified as a Variant of Uncertain Significance. Algorithms developed to predict the effect of missense changes on protein structure and function are either unavailable or do not agree on the potential impact of this missense change (SIFT: "Deleterious"; PolyPhen-2: "Benign"; Align-GVGD: "Class C0"). ClinVar contains an entry for this variant (Variation ID: 1461828). The frequency data for this variant in the population databases is considered unreliable, as metrics indicate insufficient coverage at this position in the gnomAD database. This sequence change replaces glycine, which is neutral and non-polar, with arginine, which is basic and polar, at codon 89 of the FRRS1L protein (p.Gly89Arg).

Ambry Genetics
Classification: Uncertain significance for Inborn genetic diseases. Last evaluated: 2021-07-13. Review status: criteria provided, single submitter. Criteria: Ambry Variant Classification Scheme 2023. Collection method: clinical testing. Allele origin: germline.